The following is an entry in ClinVar:

ClinVar aggregate classification (germline): Uncertain significance (1 of 4 stars; one submission).

Submission:

Ambry Genetics
Classification: Uncertain significance. Last evaluated: 2023-07-13. Review status: criteria provided, single submitter. Criteria: Ambry Variant Classification Scheme 2023. Collection method: clinical testing. Allele origin: germline.
Comment: The p.W349R variant (also known as c.1045T>C), located in coding exon 7 of the POLQ gene, results from a T to C substitution at nucleotide position 1045. The tryptophan at codon 349 is replaced by arginine, an amino acid with dissimilar properties. This amino acid position is conserved. In addition, the in silico prediction for this alteration is inconclusive. Since supporting evidence is limited at this time, the clinical significance of this alteration remains unclear.

NM_199420.4(POLQ):c.1045T>C (p.Trp349Arg)

Gene: POLQ (DNA polymerase theta; minus strand). Cytogenetic location: 3q13.33.
Variant type: single nucleotide variant.
Coding change: c.1045T>C on transcript NM_199420.4 (MANE Select); coding-DNA position 1045, T replaced by C.
Protein change: p.Trp349Arg; replaces tryptophan 349 with arginine.
Molecular consequence: missense variant.
Genome position (GRCh38, 1-based): chr3:121,529,708, A>G on the plus strand (T>C on the coding strand, the complement: POLQ is on the minus strand). VCF-style: chr3-121529708-A-G. GRCh37 (hg19) VCF-style: chr3-121248555-A-G.
Other names: short protein forms W349R.
Identifiers: ClinVar variation 2625835 (VCV002625835.2), dbSNP rs2546816997, ClinGen allele CA354124552.